The following is an entry in ClinVar:

ClinVar aggregate classification (germline): Uncertain significance (1 of 4 stars; one submission).

Conditions:
Developmental and epileptic encephalopathy, 83. Also called: EPILEPTIC ENCEPHALOPATHY, EARLY INFANTILE, 83; BARAKAT-PERENTHALER SYNDROME. Identifiers: MedGen C5231487, MONDO:0032895, OMIM 618744.

Submission:

Institute of Human Genetics, University of Leipzig Medical Center
Classification: Uncertain significance for Developmental and epileptic encephalopathy, 83. Last evaluated: 2023-12-20. Review status: criteria provided, single submitter. Criteria: ACMG Guidelines, 2015. Collection method: clinical testing. Allele origin: paternal. Inheritance: Autosomal recessive inheritance. Affected: yes.
Comment: Criteria applied: PVS1_MOD,PM2

NM_001001521.2(UGP2):c.-15+1G>A

Gene: UGP2 (UDP-glucose pyrophosphorylase 2; plus strand). Cytogenetic location: 2p15.
Variant type: single nucleotide variant.
Coding change: c.-15+1G>A on transcript NM_001001521.2; the canonical splice donor site of the intron after 15 bases upstream of the start codon, G replaced by A.
Molecular consequence: splice donor variant.
Genome position (GRCh38, 1-based): chr2:63,841,233, G>A. VCF-style: chr2-63841233-G-A. GRCh37 (hg19) VCF-style: chr2-64068367-G-A.
Other names: c.-572+1G>A (NM_001377529.1); c.-76+1G>A (NM_001377525.1); c.-511+1G>A (NM_001377526.1); c.-430+1G>A (NM_001377528.1); c.-106+1G>A (NM_001377527.1).
Identifiers: ClinVar variation 3359117 (VCV003359117.2).